The following is an entry in ClinVar:

ClinVar aggregate classification (germline): Likely pathogenic. Review status: criteria provided, multiple submitters, no conflicts (2 of 4 stars). 2 submissions from 2 submitters: Likely pathogenic (2). Last evaluated 2024-11-14.

Conditions:
Polycystic kidney disease 4 (PKD4). Also called: Autosomal Recessive Polycystic Kidney Disease – PKHD1; PKD3; POLYCYSTIC KIDNEY AND HEPATIC DISEASE 1; POLYCYSTIC KIDNEY DISEASE, INFANTILE, TYPE I; POLYCYSTIC KIDNEY DISEASE 4 WITH OR WITHOUT POLYCYSTIC LIVER DISEASE. Identifiers: MedGen C4540575, MONDO:0033004, OMIM 263200.
Autosomal recessive polycystic kidney disease (ARPKD). Also called: AR polycystic kidney disease. Identifiers: Orphanet 731, Orphanet 8378, MedGen C0085548, MeSH D017044, MONDO:0009889.

Submissions (2):

Natera, Inc.
Classification: Likely pathogenic for Autosomal recessive polycystic kidney disease. Last evaluated: 2024-11-14. Review status: criteria provided, single submitter. Criteria: Natera Variant Classification Schema (03/2026). Collection method: clinical testing. Allele origin: germline.
Comment: The c.1431G>A variant in PKHD1 is a nonsense variant predicted to introduce a stop codon at amino acid 477. This variant is expected to result in nonsense mediated decay, truncation, or a dysfunctional protein product. This variant is rare in the general population with a frequency below the threshold expected for the associated phenotype(s). Given the available evidence, this variant is classified as Likely Pathogenic.

Fulgent Genetics
Classification: Likely pathogenic for Polycystic kidney disease 4. Last evaluated: 2024-02-28. Review status: criteria provided, single submitter. Criteria: ACMG Guidelines, 2015. Collection method: clinical testing. Allele origin: germline.

NM_138694.4(PKHD1):c.1431G>A (p.Trp477Ter)

Gene: PKHD1 (PKHD1 ciliary IPT domain containing fibrocystin/polyductin; minus strand). Cytogenetic location: 6p12.2.
Variant type: single nucleotide variant.
Coding change: c.1431G>A on transcript NM_138694.4 (MANE Select); coding-DNA position 1431, G replaced by A.
Protein change: p.Trp477Ter; replaces tryptophan 477 with a stop codon.
Molecular consequence: nonsense.
Genome position (GRCh38, 1-based): chr6:52,058,404, C>T on the plus strand (G>A on the coding strand, the complement: PKHD1 is on the minus strand). VCF-style: chr6-52058404-C-T. GRCh37 (hg19) VCF-style: chr6-51923202-C-T.
Other names: c.1431G>A, p.Trp477Ter (NM_170724.3); c.1431G>A (NM_138694.3); short protein forms W477*.
Identifiers: ClinVar variation 3594012 (VCV003594012.2).